The following is an entry in ClinVar:

ClinVar aggregate classification (germline): Uncertain significance (1 of 4 stars; one submission).

Submission:

Ambry Genetics
Classification: Uncertain significance. Last evaluated: 2025-01-17. Review status: criteria provided, single submitter. Criteria: Ambry Variant Classification Scheme 2023. Collection method: clinical testing. Allele origin: germline.
Comment: The p.G64D variant (also known as c.191G>A), located in coding exon 1 of the CDK12 gene, results from a G to A substitution at nucleotide position 191. The glycine at codon 64 is replaced by aspartic acid, an amino acid with similar properties. This amino acid position is conserved. In addition, this alteration is predicted to be tolerated by in silico analysis. Based on the available evidence, the clinical significance of this variant remains unclear.

NM_016507.4(CDK12):c.191G>A (p.Gly64Asp)

Genes: CDK12 (cyclin dependent kinase 12; plus strand), LOC126862553 (CDK7 strongly-dependent group 2 enhancer GRCh37_chr17:37618166-37619365; plus strand). Cytogenetic location: 17q12.
Variant type: single nucleotide variant.
Coding change: c.191G>A on transcript NM_016507.4 (MANE Select); coding-DNA position 191, G replaced by A.
Protein change: p.Gly64Asp; replaces glycine 64 with aspartic acid.
Molecular consequence: missense variant.
Genome position (GRCh38, 1-based): chr17:39,462,262, G>A. VCF-style: chr17-39462262-G-A. GRCh37 (hg19) VCF-style: chr17-37618515-G-A.
Other names: c.191G>A, p.Gly64Asp (NM_015083.4); short protein forms G64D.
Identifiers: ClinVar variation 3830516 (VCV003830516.1).